The following is an entry in ClinVar:

NM_004415.4(DSP):c.3297G>C (p.Lys1099Asn)

Gene: DSP (desmoplakin; plus strand). Cytogenetic location: 6p24.3.
Variant type: single nucleotide variant.
Coding change: c.3297G>C on transcript NM_004415.4 (MANE Select); coding-DNA position 3297, G replaced by C.
Protein change: p.Lys1099Asn; replaces lysine 1099 with asparagine.
Molecular consequence: missense variant.
Genome position (GRCh38, 1-based): chr6:7,579,487, G>C. VCF-style: chr6-7579487-G-C. GRCh37 (hg19) VCF-style: chr6-7579720-G-C.
Other names: c.3297G>C (LRG_423t1); c.3297G>C, p.Lys1099Asn (NM_001008844.3, NM_001319034.2); short protein forms K1099N.
Identifiers: ClinVar variation 192115 (VCV000192115.25), dbSNP rs370550974, ClinGen allele CA005787.

ClinVar aggregate classification (germline): Likely benign. Review status: criteria provided, multiple submitters, no conflicts (2 of 4 stars). 9 submissions from 9 submitters: Likely benign (8). 1 of the submissions does not count toward it. Last evaluated 2026-01-19.

Conditions:
Cardiovascular phenotype. Identifiers: MedGen CN230736.
DSP-related disorder. Also called: DSP-related condition; DSP-related disorders.
Arrhythmogenic right ventricular dysplasia 8 (ARVD8). Also called: ARRHYTHMOGENIC RIGHT VENTRICULAR DYSPLASIA, FAMILIAL, 8; ARRHYTHMOGENIC RIGHT VENTRICULAR CARDIOMYOPATHY 8; Arrhythmogenic Right Ventricular Dysplasia/Cardiomyopathy 8. Identifiers: MedGen C1843896, MONDO:0011831, OMIM 607450.
Arrhythmogenic cardiomyopathy with wooly hair and keratoderma. Also called: Carvajal syndrome; Arrhythmogenic cardiomyopathy with woolly hair and keratoderma; PALMOPLANTAR KERATODERMA WITH LEFT VENTRICULAR CARDIOMYOPATHY AND WOOLLY HAIR; Dilated cardiomyopathy with woolly hair and keratoderma. Identifiers: Orphanet 65282, MedGen C1854063, MONDO:0011581, OMIM 605676.
Cardiomyopathy (CMYO). Also called: Cardiomyopathies. Identifiers: Orphanet 167848, MedGen C0878544, MONDO:0004994, HP:0001638. Inheritance: Various modes of inheritance.

Allele frequency attached by ClinVar (database versions not stated): gnomAD exomes 0.00009; ExAC 0.00012; gnomAD 0.00025; ESP Exome Variant Server 0.00038; TOPMed 0.00042.
gnomAD v4.1: 97 of 1,613,922 alleles (0.006%); highest among the groups gnomAD compares: African/African-American, 0.12%; 1 homozygote.

Submissions (9):

Labcorp Genetics (formerly Invitae), Labcorp
Classification: Likely benign for Arrhythmogenic cardiomyopathy with wooly hair and keratoderma; Arrhythmogenic right ventricular dysplasia 8. Last evaluated: 2026-01-19. Review status: criteria provided, single submitter. Criteria: Invitae Variant Classification Sherloc (09022015). Collection method: clinical testing. Allele origin: germline.

Molecular Diagnostic Laboratory for Inherited Cardiovascular Disease, Montreal Heart Institute
Classification: Likely benign. Last evaluated: 2025-02-17. Review status: criteria provided, single submitter. Criteria: ACMG Guidelines, 2015. Collection method: clinical testing. Allele origin: germline. Affected: no.

All of Us Research Program, National Institutes of Health
Classification: Likely benign for Arrhythmogenic cardiomyopathy with wooly hair and keratoderma. Last evaluated: 2024-09-13. Review status: criteria provided, single submitter. Criteria: ACMG Guidelines, 2015. Collection method: clinical testing. Allele origin: germline. Inheritance: Autosomal dominant inheritance. Observed: 27 variant alleles, 27 heterozygotes.
Comment: This study involves interpretation of variants in research participants for the purpose of population health screening. Participant phenotype was not available at the time of variant classification. Additional details can be found in publication PMID: 35346344, PMCID: PMC8962531

GeneDx
Classification: Likely benign. Last evaluated: 2021-05-06. Review status: criteria provided, single submitter. Criteria: GeneDx Variant Classification Process June 2021. Collection method: clinical testing. Allele origin: germline. Affected: yes.
Comment: This variant is associated with the following publications: (PMID: 23861362)

Color Diagnostics, LLC DBA Color Health
Classification: Likely benign for Cardiomyopathy. Last evaluated: 2019-12-16. Review status: criteria provided, single submitter. Criteria: ACMG Guidelines, 2015. Collection method: clinical testing. Allele origin: germline.

Blueprint Genetics
Classification: Likely benign. Last evaluated: 2019-11-19. Review status: criteria provided, single submitter. Criteria: ACMG Guidelines, 2015. Collection method: clinical testing. Allele origin: germline.

Ambry Genetics
Classification: Likely benign for Cardiovascular phenotype. Last evaluated: 2018-07-17. Review status: criteria provided, single submitter. Criteria: Ambry Variant Classification Scheme 2023. Collection method: clinical testing. Allele origin: germline.

Biesecker Lab/Clinical Genomics Section, National Institutes of Health
Classification: Likely benign. Last evaluated: 2013-06-24. Review status: criteria provided, single submitter. Criteria: Ng et al. (Circ Cardiovasc Genet. 2013). Collection method: research. Allele origin: unknown. Observed: 1 variant allele. Study: ClinSeq.
Comment: The study set was not selected for affection status in relation to any cancer. Pathogenicity categories were based on literature curation. See Pubmed ID:23861362 for details.

Medical sequencing

PreventionGenetics, part of Exact Sciences
Classification: Likely benign for DSP-related condition. Last evaluated: 2023-12-04. Review status: no assertion criteria provided. Collection method: clinical testing. Allele origin: germline. Not counted in ClinVar's aggregate classification.
Comment: This variant is classified as likely benign based on ACMG/AMP sequence variant interpretation guidelines (Richards et al. 2015 PMID: 25741868, with internal and published modifications).

Literature cited by the submitters: PubMed 23861362 (cited by Ambry Genetics).